The following is an entry in ClinVar:

ClinVar aggregate classification (germline): Uncertain significance. Review status: criteria provided, multiple submitters, no conflicts (2 of 4 stars). 2 submissions from 2 submitters: Uncertain significance (2). Last evaluated 2023-10-02.

Conditions:
Cardiomyopathy (CMYO). Also called: Cardiomyopathies. Identifiers: Orphanet 167848, MedGen C0878544, MONDO:0004994, HP:0001638. Inheritance: Various modes of inheritance.
Catecholaminergic polymorphic ventricular tachycardia (CVPT). Also called: Catecholamine-induced polymorphic ventricular tachycardia. Identifiers: Orphanet 3286, MedGen C5574922, MONDO:0017990.

Allele frequency attached by ClinVar (database versions not stated): gnomAD exomes below 0.00001; ExAC 0.00001.
gnomAD v4.1: 1 of 1,605,254 alleles (0.000062%); highest among the groups gnomAD compares: South Asian, 0.0011%; no homozygotes.

Submissions (2):

All of Us Research Program, National Institutes of Health
Classification: Uncertain significance for Catecholaminergic polymorphic ventricular tachycardia. Last evaluated: 2023-10-02. Review status: criteria provided, single submitter. Criteria: ACMG Guidelines, 2015. Collection method: clinical testing. Allele origin: germline. Inheritance: Autosomal dominant inheritance. Observed: 1 variant allele, 1 heterozygote.
Comment: This variant is located in the RYR2 protein. To our knowledge, functional studies have not been reported for this variant. This variant has not been reported in individuals affected with RYR2-related disorders in the literature. This variant has been identified in 1/237216 chromosomes in the general population by the Genome Aggregation Database (gnomAD). The available evidence is insufficient to determine the role of this variant in disease conclusively. Therefore, this variant is classified as a Variant of Uncertain Significance.

This study involves interpretation of variants in research participants for the purpose of population health screening. Participant phenotype was not available at the time of variant classification. Additional details can be found in publication PMID: 35346344, PMCID: PMC8962531

Color Diagnostics, LLC DBA Color Health
Classification: Uncertain significance for Cardiomyopathy. Last evaluated: 2023-09-13. Review status: criteria provided, single submitter. Criteria: ACMG Guidelines, 2015. Collection method: clinical testing. Allele origin: germline.
Comment: This variant is located in the RYR2 protein. To our knowledge, functional studies have not been reported for this variant. This variant has not been reported in individuals affected with RYR2-related disorders in the literature. This variant has been identified in 1/237216 chromosomes in the general population by the Genome Aggregation Database (gnomAD). The available evidence is insufficient to determine the role of this variant in disease conclusively. Therefore, this variant is classified as a Variant of Uncertain Significance.

NM_001035.3(RYR2):c.276A>G (p.Gln92=)

Gene: RYR2 (ryanodine receptor 2; plus strand). Cytogenetic location: 1q43.
Variant type: single nucleotide variant.
Coding change: c.276A>G on transcript NM_001035.3 (MANE Select); coding-DNA position 276, A replaced by G.
Protein change: p.Gln92=; no amino-acid change (glutamine 92 retained).
Molecular consequence: synonymous variant.
Genome position (GRCh38, 1-based): chr1:237,355,967, A>G. VCF-style: chr1-237355967-A-G. GRCh37 (hg19) VCF-style: chr1-237519267-A-G.
Identifiers: ClinVar variation 3073621 (VCV003073621.2), dbSNP rs747634644, ClinGen allele CA086193.
Genomic context (GRCh38, chr1:237,355,967, plus strand): 5'-TGAAACATTGCTAGGTATTTGTTTGTTTGTTATTTATTTTGGCTTTTTCTTTCCACAGCA[A>G]GTTGATGTGGAAAAATGGGTATGTGTTTCCATGTATTTGCAAAGAAATTGTGATCTAAAA-3'
Protein context (NP_001026.2, residues 82-102): LANTVEKSEG[Gln92=]VDVEKWKFMM